The following is an entry in ClinVar:

NM_001104631.2(PDE4D):c.2426C>T (p.Thr809Met)

Gene: PDE4D (phosphodiesterase 4D; minus strand). Cytogenetic location: 5q11.2.
Variant type: single nucleotide variant.
Coding change: c.2426C>T on transcript NM_001104631.2 (MANE Select); coding-DNA position 2426, C replaced by T.
Protein change: p.Thr809Met; replaces threonine 809 with methionine.
Molecular consequence: missense variant.
Genome position (GRCh38, 1-based): chr5:58,974,668, G>A on the plus strand (C>T on the coding strand, the complement: PDE4D is on the minus strand). VCF-style: chr5-58974668-G-A. GRCh37 (hg19) VCF-style: chr5-58270495-G-A.
Other names: c.2243C>T, p.Thr748Met (NM_001165899.2, NM_001364599.1); c.2234C>T, p.Thr745Met (NM_001197218.2); c.2060C>T, p.Thr687Met (NM_001197219.2); c.2036C>T, p.Thr679Met (NM_001197220.2); c.1520C>T, p.Thr507Met (NM_001197221.2, NM_001364603.1); c.1754C>T, p.Thr585Met (NM_001197222.2); c.1553C>T, p.Thr518Met (NM_001197223.2); c.2213C>T, p.Thr738Met (NM_001349241.2); and 3 more; short protein forms T748M, T518M, T585M, T687M, T738M, T809M, T673M, T679M.
Identifiers: ClinVar variation 1987263 (VCV001987263.4), dbSNP rs753989811, ClinGen allele CA3275885.

ClinVar aggregate classification (germline): Uncertain significance (1 of 4 stars; one submission).

Allele frequency attached by ClinVar (database versions not stated): gnomAD 0.00001; gnomAD exomes 0.00001; ExAC 0.00002; TOPMed 0.00002.
gnomAD v4.1: 12 of 1,554,150 alleles (0.00077%); highest among the groups gnomAD compares: Non-Finnish European, 0.00087%; no homozygotes.

Submission:

Labcorp Genetics (formerly Invitae), Labcorp
Classification: Uncertain significance. Last evaluated: 2023-04-22. Review status: criteria provided, single submitter. Criteria: Invitae Variant Classification Sherloc (09022015). Collection method: clinical testing. Allele origin: germline.
Comment: In summary, the available evidence is currently insufficient to determine the role of this variant in disease. Therefore, it has been classified as a Variant of Uncertain Significance. An algorithm developed to predict the effect of missense changes on protein structure and function (PolyPhen-2) suggests that this variant is likely to be disruptive. ClinVar contains an entry for this variant (Variation ID: 1987263). This variant has not been reported in the literature in individuals affected with PDE4D-related conditions. This variant is present in population databases (rs753989811, gnomAD 0.005%). This sequence change replaces threonine, which is neutral and polar, with methionine, which is neutral and non-polar, at codon 809 of the PDE4D protein (p.Thr809Met).